The following is an entry in ClinVar:

ClinVar aggregate classification (germline): Uncertain significance (1 of 4 stars; one submission).

Submission:

GeneDx
Classification: Uncertain significance. Last evaluated: 2025-05-21. Review status: criteria provided, single submitter. Criteria: GeneDx Variant Classification Process June 2021. Collection method: clinical testing. Allele origin: germline. Affected: yes.
Comment: Not observed at significant frequency in large population cohorts (gnomAD); In silico analysis suggests that this missense variant does not alter protein structure/function; Has not been previously published as pathogenic or benign to our knowledge

NM_003128.3(SPTBN1):c.5939G>A (p.Arg1980Lys)

Gene: SPTBN1 (spectrin beta, non-erythrocytic 1; plus strand). Cytogenetic location: 2p16.2.
Variant type: single nucleotide variant.
Coding change: c.5939G>A on transcript NM_003128.3 (MANE Select); coding-DNA position 5939, G replaced by A.
Protein change: p.Arg1980Lys; replaces arginine 1980 with lysine.
Molecular consequence: missense variant.
Genome position (GRCh38, 1-based): chr2:54,655,186, G>A. VCF-style: chr2-54655186-G-A. GRCh37 (hg19) VCF-style: chr2-54882323-G-A.
Other names: c.5900G>A, p.Arg1967Lys (NM_178313.3); short protein forms R1967K, R1980K.
Identifiers: ClinVar variation 4530722 (VCV004530722.1).